The following is an entry in ClinVar:

ClinVar aggregate classification (germline): Conflicting classifications of pathogenicity. Review status: criteria provided, conflicting classifications (1 of 4 stars). 8 submissions from 7 submitters: Uncertain significance (1); Benign (6); Likely benign (1). Last evaluated 2026-02-04.

Conditions:
Osteogenesis imperfecta type 8 (OI8). Identifiers: MedGen C1970458, MONDO:0012581, OMIM 610915.
Osteogenesis Imperfecta, Recessive.

Allele frequency attached by ClinVar (database versions not stated): gnomAD exomes 0.04280 and 0.04378; ExAC 0.04482; 1000 Genomes Project 0.05491; 1000 Genomes Project 30x 0.05621; gnomAD 0.05835 and 0.06024; TOPMed 0.06322; ESP Exome Variant Server 0.06551.
gnomAD v4.1: 71,759 of 1,614,128 alleles (4.4%); highest among the groups gnomAD compares: African/African-American, 11%; 1,950 homozygotes.

Submissions (8):

Labcorp Genetics (formerly Invitae), Labcorp
Classification: Benign for Osteogenesis imperfecta type 8. Last evaluated: 2026-02-04. Review status: criteria provided, single submitter. Criteria: Invitae Variant Classification Sherloc (09022015). Collection method: clinical testing. Allele origin: germline.

Genomic Medicine Center of Excellence, King Faisal Specialist Hospital and Research Centre
Classification: Likely benign for Osteogenesis imperfecta type 8. Last evaluated: 2025-07-30. Review status: criteria provided, single submitter. Criteria: ACMG Guidelines, 2015. Collection method: clinical testing. Allele origin: germline.

ARUP Laboratories, Molecular Genetics and Genomics, ARUP Laboratories
Classification: Benign for Osteogenesis imperfecta type 8. Last evaluated: 2025-05-08. Review status: criteria provided, single submitter. Criteria: ARUP Molecular Germline Variant Investigation Process 2024. Collection method: clinical testing. Allele origin: germline.

Mayo Clinic Laboratories, Mayo Clinic
Classification: Benign. Last evaluated: 2022-04-26. Review status: criteria provided, single submitter. Criteria: ACMG Guidelines, 2015. Collection method: clinical testing. Allele origin: germline. Observed: 12 variant alleles.

Genome-Nilou Lab
Classification: Benign for Osteogenesis imperfecta type 8. Last evaluated: 2021-08-19. Review status: criteria provided, single submitter. Criteria: ACMG Guidelines, 2015. Collection method: clinical testing. Allele origin: germline. Affected: no.

Illumina Laboratory Services, Illumina
Classification: Benign for Osteogenesis imperfecta type 8. Last evaluated: 2017-04-28. Review status: criteria provided, single submitter. Criteria: ICSL Variant Classification Criteria 13 December 2019. Collection method: clinical testing. Allele origin: germline.
Comment: This variant was observed as part of a predisposition screen in an ostensibly healthy population. A literature search was performed for the gene, cDNA change, and amino acid change (where applicable). Publications were found based on this search. The evidence from the literature, in combination with allele frequency data from public databases where available, was sufficient to rule this variant out of causing disease. Therefore, this variant is classified as benign.

Illumina Laboratory Services, Illumina
Classification: Uncertain significance for Osteogenesis Imperfecta, Recessive. Last evaluated: 2017-04-27. Review status: criteria provided, single submitter. Criteria: ICSL Variant Classification Criteria 13 December 2019. Collection method: clinical testing. Allele origin: germline.

GeneDx
Classification: Benign. Last evaluated: 2016-05-06. Review status: criteria provided, single submitter. Criteria: GeneDx Variant Classification (06012015). Collection method: clinical testing. Allele origin: germline. Affected: yes.
Comment: This variant is considered likely benign or benign based on one or more of the following criteria: it is a conservative change, it occurs at a poorly conserved position in the protein, it is predicted to be benign by multiple in silico algorithms, and/or has population frequency not consistent with disease.

Literature cited by the submitters: PubMed 24498616 (cited by Illumina Laboratory Services, Illumina).

NM_022356.4(P3H1):c.1045G>A (p.Gly349Arg)

Gene: P3H1 (prolyl 3-hydroxylase 1; minus strand). Cytogenetic location: 1p34.2.
Variant type: single nucleotide variant.
Coding change: c.1045G>A on transcript NM_022356.4 (MANE Select); coding-DNA position 1045, G replaced by A.
Protein change: p.Gly349Arg; replaces glycine 349 with arginine.
Molecular consequence: missense variant.
Genome position (GRCh38, 1-based): chr1:42,757,818, C>T on the plus strand (G>A on the coding strand, the complement: P3H1 is on the minus strand). VCF-style: chr1-42757818-C-T. GRCh37 (hg19) VCF-style: chr1-43223489-C-T.
Other names: c.1045G>A, p.Gly349Arg (NM_001146289.2, NM_001243246.2); short protein forms G349R.
Identifiers: ClinVar variation 379444 (VCV000379444.29), dbSNP rs6700677, ClinGen allele CA801996.